The following is an entry in ClinVar:

NC_000017.10:g.(?_59853752)_(59858376_?)del

Gene: BRIP1 (BRCA1 interacting DNA helicase 1; minus strand). Cytogenetic location: 17q23.2.
Variant type: Deletion.
Identifiers: ClinVar variation 2426997 (VCV002426997.3).

ClinVar aggregate classification (germline): Pathogenic (1 of 4 stars; one submission).

Conditions:
Familial cancer of breast. Also called: BREAST CANCER, FAMILIAL; hereditary breast carcinoma; Hereditary breast cancer. Identifiers: Orphanet 227535, MedGen C0346153, MONDO:0016419, OMIM 114480. Disease mechanism: loss of function.
Fanconi anemia complementation group J. Also called: BRIP1-Related Fanconi Anemia. Identifiers: Orphanet 84, MedGen C1836860, MONDO:0012187, OMIM 609054.

Submission:

Labcorp Genetics (formerly Invitae), Labcorp
Classification: Pathogenic for Familial cancer of breast; Fanconi anemia complementation group J. Last evaluated: 2020-01-13. Review status: criteria provided, single submitter. Criteria: Invitae Variant Classification Sherloc (09022015). Collection method: clinical testing. Allele origin: germline.
Comment: This variant is an out-of-frame deletion of the genomic region encompassing exon 12-14 of the BRIP1 gene. This is expected to create a premature translational stop signal and result in an absent or disrupted protein product. This variant has not been reported in the literature in individuals with BRIP1-related conditions. Loss-of-function variants in BRIP1 are known to be pathogenic (PMID: 16116423, 17033622, 21964575). For these reasons, this variant has been classified as Pathogenic.

Literature cited by the submitters: PubMed 16116423; PubMed 17033622; PubMed 21964575.